The following is an entry in ClinVar:

ClinVar aggregate classification (germline): Likely pathogenic. Review status: reviewed by expert panel (3 of 4 stars). 2 submissions from 2 submitters: Likely pathogenic (1). 1 of the submissions does not count toward it. Last evaluated 2025-01-28.

Conditions:
Autosomal recessive limb-girdle muscular dystrophy. Identifiers: Orphanet 102015, MedGen C2931907, MONDO:0015152.
Neuromuscular disease caused by qualitative or quantitative defects of dysferlin. Also called: Qualitative or quantitative defects of dysferlin; Dysferlinopathy. Identifiers: Orphanet 207073, MedGen C2931687, MONDO:0016145.

Submissions (2):

ClinGen Limb Girdle Muscular Dystrophy Variant Curation Expert Panel, ClinGen
Classification: Likely pathogenic for Autosomal recessive limb-girdle muscular dystrophy. Last evaluated: 2025-01-28. Review status: reviewed by expert panel. Criteria: ClinGen LGMD VCEP ACMG Specifications DYSF V1.0.0. Collection method: curation. Allele origin: germline. Inheritance: Autosomal recessive inheritance.
Comment: The NM_003494.4: c.5059T>C variant in DYSF, which is also known as NM_001130987.2: c.5176T>C p.(Ser1726Pro), is a missense variant predicted to cause substitution of serine by proline at amino acid 1687, p.(Ser1687Pro). This variant has been identified in one individual with a diagnosis of LGMD, where it it was confirmed in trans with a variant classified as pathogenic by the LGMD VCEP (c.2643+1G>A, 1.0 pt, PMID: 36983702) (PM3). This patient displayed progressive limb girdle muscle weakness and significantly reduced or absent dysferlin protein expression in skeletal muscle and blood monocytes, which is highly specific for DYSF-related LGMD (PMID: 36983702; PP4_Strong). This variant is absent from gnomAD v4.1.0 (PM2_Supporting). The computational predictor REVEL gives a score of 0.8, which exceeds the threshold of ≥0.70, evidence that correlates with impact to DYSF function (PP3). In summary, this variant meets the criteria to be classified as Likely Pathogenic for autosomal recessive limb girdle muscular dystrophy based on the ACMG/AMP criteria applied, as specified by the ClinGen LGMD VCEP (LGMD VCEP specifications version 1.0.0; 01/28/2025): PM3, PP4_Strong, PM2_Supporting, PP3.

Labcorp Genetics (formerly Invitae), Labcorp
Classification: Uncertain significance for Neuromuscular disease caused by qualitative or quantitative defects of dysferlin. Last evaluated: 2021-08-31. Review status: criteria provided, single submitter. Criteria: Invitae Variant Classification Sherloc (09022015). Collection method: clinical testing. Allele origin: germline. Not counted in ClinVar's aggregate classification.

NM_001130987.2(DYSF):c.5176T>C (p.Ser1726Pro)

Gene: DYSF (dysferlin; plus strand). Cytogenetic location: 2p13.2.
Variant type: single nucleotide variant.
Coding change: c.5176T>C on transcript NM_001130987.2 (MANE Select); coding-DNA position 5176, T replaced by C.
Protein change: p.Ser1726Pro; replaces serine 1726 with proline.
Molecular consequence: missense variant.
Genome position (GRCh38, 1-based): chr2:71,665,163, T>C. VCF-style: chr2-71665163-T-C. GRCh37 (hg19) VCF-style: chr2-71892293-T-C.
Other names: NM_001130987.2(DYSF):c.5176T>C; p.Ser1726Pro; c.5062T>C, p.Ser1688Pro (NM_001130455.2); c.5017T>C, p.Ser1673Pro (NM_001130976.2); c.5080T>C, p.Ser1694Pro (NM_001130977.2); c.5122T>C, p.Ser1708Pro (NM_001130978.2); c.5152T>C, p.Ser1718Pro (NM_001130979.2); c.5110T>C, p.Ser1704Pro (NM_001130980.2); and 7 more; short protein forms S1674P, S1695P, S1705P, S1708P, S1725P, S1694P, S1719P, S1726P.
Identifiers: ClinVar variation 665724 (VCV000665724.7), dbSNP rs1573060017, ClinGen allele CA347220902.